The following is an entry in ClinVar:

ClinVar aggregate classification (germline): Uncertain significance. Review status: criteria provided, multiple submitters, no conflicts (2 of 4 stars). 2 submissions from 2 submitters: Uncertain significance (2). Last evaluated 2024-02-23.

Conditions:
Inborn genetic diseases. Identifiers: MedGen C0950123, MeSH D030342.
Bilateral parasagittal parieto-occipital polymicrogyria. Also called: Polymicrogyria, bilateral temporooccipital. Identifiers: Orphanet 208441, MedGen C4013648, MONDO:0012986, OMIM 612691.

Allele frequency attached by ClinVar (database versions not stated): gnomAD exomes 0.00001.
gnomAD v4.1: 4 of 1,609,934 alleles (0.00025%); highest among the groups gnomAD compares: South Asian, 0.0044%; no homozygotes.

Submissions (2):

Baylor Genetics
Classification: Uncertain significance for Bilateral parasagittal parieto-occipital polymicrogyria. Last evaluated: 2024-02-23. Review status: criteria provided, single submitter. Criteria: ACMG Guidelines, 2015. Collection method: clinical testing. Allele origin: unknown.

Ambry Genetics
Classification: Uncertain significance for Inborn genetic diseases. Last evaluated: 2021-07-29. Review status: criteria provided, single submitter. Criteria: Ambry Variant Classification Scheme 2023. Collection method: clinical testing. Allele origin: germline.
Comment: The p.H122R variant (also known as c.365A>G), located in coding exon 4 of the FIG4 gene, results from an A to G substitution at nucleotide position 365. The histidine at codon 122 is replaced by arginine, an amino acid with highly similar properties. This amino acid position is conserved. In addition, this alteration is predicted to be deleterious by in silico analysis. Since supporting evidence is limited at this time, the clinical significance of this alteration remains unclear.

NM_014845.6(FIG4):c.365A>G (p.His122Arg)

Gene: FIG4 (FIG4 phosphoinositide 5-phosphatase; plus strand). Cytogenetic location: 6q21.
Variant type: single nucleotide variant.
Coding change: c.365A>G on transcript NM_014845.6 (MANE Select); coding-DNA position 365, A replaced by G.
Protein change: p.His122Arg; replaces histidine 122 with arginine.
Molecular consequence: missense variant.
Genome position (GRCh38, 1-based): chr6:109,727,184, A>G. VCF-style: chr6-109727184-A-G. GRCh37 (hg19) VCF-style: chr6-110048387-A-G.
Other names: short protein forms H122R.
Identifiers: ClinVar variation 1733654 (VCV001733654.4), dbSNP rs1293835941, ClinGen allele CA365217030.